The following is an entry in ClinVar:

NM_002335.4(LRP5):c.1133T>A (p.Ile378Asn)

Gene: LRP5 (LDL receptor related protein 5; plus strand). Cytogenetic location: 11q13.2.
Variant type: single nucleotide variant.
Coding change: c.1133T>A on transcript NM_002335.4 (MANE Select); coding-DNA position 1133, T replaced by A.
Protein change: p.Ile378Asn; replaces isoleucine 378 with asparagine.
Molecular consequence: missense variant. On other transcripts: 5 prime UTR variant (1).
Genome position (GRCh38, 1-based): chr11:68,386,433, T>A. VCF-style: chr11-68386433-T-A. GRCh37 (hg19) VCF-style: chr11-68153901-T-A.
Other names: c.-633T>A (NM_001291902.2); short protein forms I378N.
Identifiers: ClinVar variation 2572002 (VCV002572002.1), dbSNP rs2496598111, ClinGen allele CA381612300.

ClinVar aggregate classification (germline): Uncertain significance (1 of 4 stars; one submission).

Submission:

GeneDx
Classification: Uncertain significance. Last evaluated: 2023-01-11. Review status: criteria provided, single submitter. Criteria: GeneDx Variant Classification Process June 2021. Collection method: clinical testing. Allele origin: germline. Affected: yes.
Comment: Not observed at significant frequency in large population cohorts (gnomAD); In silico analysis supports that this missense variant has a deleterious effect on protein structure/function; Has not been previously published as pathogenic or benign to our knowledge